The following is an entry in ClinVar:

NM_001379451.1(BCORL1):c.4575C>A (p.His1525Gln)

Gene: BCORL1 (BCL6 corepressor like 1; plus strand). Cytogenetic location: Xq26.1.
Variant type: single nucleotide variant.
Coding change: c.4575C>A on transcript NM_001379451.1 (MANE Select); coding-DNA position 4575, C replaced by A.
Protein change: p.His1525Gln; replaces histidine 1525 with glutamine.
Molecular consequence: missense variant.
Genome position (GRCh38, 1-based): chrX:130,037,414, C>A. VCF-style: chrX-130037414-C-A. GRCh37 (hg19) VCF-style: chrX-129171389-C-A.
Other names: c.4575C>A, p.His1525Gln (NM_001184772.3, NM_001379450.1); c.4353C>A, p.His1451Gln (NM_021946.5); short protein forms H1451Q, H1525Q.
Identifiers: ClinVar variation 3360364 (VCV003360364.1).

ClinVar aggregate classification (germline): Uncertain significance (1 of 4 stars; one submission).

Submission:

GeneDx
Classification: Uncertain significance. Last evaluated: 2023-06-22. Review status: criteria provided, single submitter. Criteria: GeneDx Variant Classification Process June 2021. Collection method: clinical testing. Allele origin: germline. Affected: yes.
Comment: Not observed at significant frequency in large population cohorts (gnomAD); In silico analysis supports that this missense variant has a deleterious effect on protein structure/function; Has not been previously published as pathogenic or benign to our knowledge